The following is an entry in ClinVar:

NM_001267550.2(TTN):c.1398+9G>A

Gene: TTN (titin; minus strand). Cytogenetic location: 2q31.2.
Variant type: single nucleotide variant.
Coding change: c.1398+9G>A on transcript NM_001267550.2 (MANE Select); 9 bases into the intron after coding-DNA position 1398, G replaced by A.
Molecular consequence: intron variant.
Genome position (GRCh38, 1-based): chr2:178,794,390, C>T on the plus strand (G>A on the coding strand, the complement: TTN is on the minus strand). VCF-style: chr2-178794390-C-T. GRCh37 (hg19) VCF-style: chr2-179659117-C-T.
Other names: c.1398+9G>A (NM_003319.4, NM_133437.4, NM_133432.3 and 3 more transcripts).
Identifiers: ClinVar variation 332969 (VCV000332969.14), dbSNP rs368350210, ClinGen allele CA2006069.
Genomic context (GRCh38, chr2:178,794,390, plus strand): 5'-ATGGTGGTTGAGTTAATGTGCACTGAAGGACGTGGCTCTGCGGGTGCCCCATGGCAGCCT[C>T]GCACGTACCTGTTCTTGAGCAGGTTGGATGTGCACAGCAGTCGTGGTTGTCCTCTGAGCA-3'

ClinVar aggregate classification (germline): Conflicting classifications of pathogenicity. Review status: criteria provided, conflicting classifications (1 of 4 stars). 8 submissions from 4 submitters: Uncertain significance (3); Benign (2); Likely benign (3). Last evaluated 2025-10-27.

Conditions:
Autosomal recessive limb-girdle muscular dystrophy type 2J (LGMDR10). Also called: Limb-girdle muscular dystrophy, type 2J; MUSCULAR DYSTROPHY, LIMB-GIRDLE, AUTOSOMAL RECESSIVE 10. Identifiers: Orphanet 140922, MedGen C1837342, MONDO:0012127, OMIM 608807.
Dilated cardiomyopathy 1G (CMD1G). Identifiers: Orphanet 154, MedGen C1858763, MONDO:0011400, OMIM 604145.
Early-onset myopathy with fatal cardiomyopathy (CMYO5). Also called: Salih Myopathy; CONGENITAL MYOPATHY 5 WITH CARDIOMYOPATHY. Identifiers: Orphanet 289377, MedGen C2673677, MONDO:0012714, OMIM 611705. Disease mechanism: loss of function.
Myopathy, myofibrillar, 9, with early respiratory failure (MFM9). Also called: Hereditary myopathy with early respiratory failure; Myopathy, distal, with early respiratory failure, autosomal dominant; EDSTROM MYOPATHY; MYOPATHY, PROXIMAL, WITH EARLY RESPIRATORY MUSCLE INVOLVEMENT. Identifiers: Orphanet 178464, Orphanet 34521, MedGen C1863599, MONDO:0011362, OMIM 603689.
Tibial muscular dystrophy (TMD). Also called: Tibial muscular dystrophy, tardive; UDD MYOPATHY; Udd Distal Myopathy – Tibial Muscular Dystrophy. Identifiers: Orphanet 609, MedGen C1838244, MONDO:0010870, OMIM 600334.

Allele frequency attached by ClinVar (database versions not stated): gnomAD exomes 0.00001 and 0.00003; ExAC 0.00002; gnomAD 0.00003 and 0.00004; TOPMed 0.00003; ESP Exome Variant Server 0.00008.
gnomAD v4.1: 24 of 1,613,918 alleles (0.0015%); highest among the groups gnomAD compares: East Asian, 0.011%; no homozygotes.

Submissions (8):

Labcorp Genetics (formerly Invitae), Labcorp
Classification: Likely benign for Dilated cardiomyopathy 1G; Autosomal recessive limb-girdle muscular dystrophy type 2J. Last evaluated: 2025-10-27. Review status: criteria provided, single submitter. Criteria: Invitae Variant Classification Sherloc (09022015). Collection method: clinical testing. Allele origin: germline.

Blueprint Genetics
Classification: Likely benign. Last evaluated: 2020-11-12. Review status: criteria provided, single submitter. Criteria: ACMG Guidelines, 2015. Collection method: clinical testing. Allele origin: germline.

Illumina Laboratory Services, Illumina
Classification: Benign for Myopathy, myofibrillar, 9, with early respiratory failure. Last evaluated: 2018-01-13. Review status: criteria provided, single submitter. Criteria: ICSL Variant Classification Criteria 13 December 2019. Collection method: clinical testing. Allele origin: germline.
Comment: This variant was observed in the ICSL laboratory as part of a predisposition screen in an ostensibly healthy population. It had not been previously curated by ICSL or reported in the Human Gene Mutation Database (HGMD: prior to June 1st, 2018), and was therefore a candidate for classification through an automated scoring system. Utilizing variant allele frequency, disease prevalence and penetrance estimates, and inheritance mode, an automated score was calculated to assess if this variant is too frequent to cause the disease. Based on the score and internal cut-off values, a variant classified as benign is not then subjected to further curation. The score for this variant resulted in a classification of benign for this disease.

Illumina Laboratory Services, Illumina
Classification: Uncertain significance for Dilated cardiomyopathy 1G. Last evaluated: 2018-01-13. Review status: criteria provided, single submitter. Criteria: ICSL Variant Classification Criteria 13 December 2019. Collection method: clinical testing. Allele origin: germline.

Illumina Laboratory Services, Illumina
Classification: Uncertain significance for Early-onset myopathy with fatal cardiomyopathy. Last evaluated: 2018-01-13. Review status: criteria provided, single submitter. Criteria: ICSL Variant Classification Criteria 13 December 2019. Collection method: clinical testing. Allele origin: germline.

Illumina Laboratory Services, Illumina
Classification: Benign for Tibial muscular dystrophy. Last evaluated: 2018-01-13. Review status: criteria provided, single submitter. Criteria: ICSL Variant Classification Criteria 13 December 2019. Collection method: clinical testing. Allele origin: germline.
Comment: the same text as in the submission from Illumina Laboratory Services, Illumina above.

Illumina Laboratory Services, Illumina
Classification: Uncertain significance for Autosomal recessive limb-girdle muscular dystrophy type 2J. Last evaluated: 2018-01-13. Review status: criteria provided, single submitter. Criteria: ICSL Variant Classification Criteria 13 December 2019. Collection method: clinical testing. Allele origin: germline.

GeneDx
Classification: Likely benign. Last evaluated: 2017-08-22. Review status: criteria provided, single submitter. Criteria: GeneDx Variant Classification (06012015). Collection method: clinical testing. Allele origin: germline. Affected: yes.
Comment: This variant is considered likely benign or benign based on one or more of the following criteria: it is a conservative change, it occurs at a poorly conserved position in the protein, it is predicted to be benign by multiple in silico algorithms, and/or has population frequency not consistent with disease.